The following is an entry in ClinVar:

NM_018993.4(RIN2):c.277A>G (p.Thr93Ala)

Gene: RIN2 (Ras and Rab interactor 2; plus strand). Cytogenetic location: 20p11.23.
Variant type: single nucleotide variant.
Coding change: c.277A>G on transcript NM_018993.4 (MANE Select); coding-DNA position 277, A replaced by G.
Protein change: p.Thr93Ala; replaces threonine 93 with alanine.
Molecular consequence: missense variant. On other transcripts: 5 prime UTR variant (1).
Genome position (GRCh38, 1-based): chr20:19,956,733, A>G. VCF-style: chr20-19956733-A-G. GRCh37 (hg19) VCF-style: chr20-19937377-A-G.
Other names: c.424A>G, p.Thr142Ala (NM_001242581.2); c.-269A>G (NM_001378238.1); short protein forms T93A, T142A.
Identifiers: ClinVar variation 493320 (VCV000493320.50), dbSNP rs1555800471, ClinGen allele CA408356676.
Genomic context (GRCh38, chr20:19,956,733, plus strand): 5'-CGGGACTCAGGCTATGACAGCCTCTCCAACAGGCTCAGCATCTTGGACCGGCTCCTCCAC[A>G]CCCACCCCATATGGCTGCAGCTGAGTCTGAGTGAGGAGGAGGCAGCAGAGGTCCTGCAGG-3'
Protein context (NP_061866.1, residues 83-103): RLSILDRLLH[Thr93Ala]HPIWLQLSLS

ClinVar aggregate classification (germline): Uncertain significance. Review status: criteria provided, multiple submitters, no conflicts (2 of 4 stars). 3 submissions from 3 submitters: Uncertain significance (3). Last evaluated 2024-02-17.

Allele frequency attached by ClinVar (database versions not stated): gnomAD exomes below 0.00001.
gnomAD v4.1: 2 of 1,609,742 alleles (0.00012%); highest among the groups gnomAD compares: Non-Finnish European, 0.00017%; no homozygotes.

Submissions (3):

Labcorp Genetics (formerly Invitae), Labcorp
Classification: Uncertain significance. Last evaluated: 2024-02-17. Review status: criteria provided, single submitter. Criteria: Invitae Variant Classification Sherloc (09022015). Collection method: clinical testing. Allele origin: germline.
Comment: This sequence change replaces threonine, which is neutral and polar, with alanine, which is neutral and non-polar, at codon 93 of the RIN2 protein (p.Thr93Ala). This variant is not present in population databases (gnomAD no frequency). This variant has not been reported in the literature in individuals affected with RIN2-related conditions. ClinVar contains an entry for this variant (Variation ID: 493320). Experimental studies and prediction algorithms are not available or were not evaluated, and the functional significance of this variant is currently unknown. In summary, the available evidence is currently insufficient to determine the role of this variant in disease. Therefore, it has been classified as a Variant of Uncertain Significance.

GeneDx
Classification: Uncertain significance. Last evaluated: 2019-05-28. Review status: criteria provided, single submitter. Criteria: GeneDx Variant Classification Process June 2021. Collection method: clinical testing. Allele origin: germline. Affected: yes.
Comment: Not observed in large population cohorts (Lek et al., 2016); In silico analysis, which includes protein predictors and evolutionary conservation, supports a deleterious effect; Has not been previously published as pathogenic or benign to our knowledge; Reported in ClinVar but additional evidence is not available (ClinVar Variant ID# 493320; Landrum et al., 2016)

CeGaT Center for Human Genetics Tuebingen
Classification: Uncertain significance. Last evaluated: 2017-09-01. Review status: criteria provided, single submitter. Criteria: CeGaT Center For Human Genetics Tuebingen Variant Classification Criteria Version 2. Collection method: clinical testing. Allele origin: germline. Affected: yes. Observed: 1 variant allele.